The following is an entry in ClinVar:

NM_000384.3(APOB):c.9092G>C (p.Gly3031Ala)

Gene: APOB (apolipoprotein B; minus strand). Cytogenetic location: 2p24.1.
Variant type: single nucleotide variant.
Coding change: c.9092G>C on transcript NM_000384.3 (MANE Select); coding-DNA position 9092, G replaced by C.
Protein change: p.Gly3031Ala; replaces glycine 3031 with alanine.
Molecular consequence: missense variant.
Genome position (GRCh38, 1-based): chr2:21,007,776, C>G on the plus strand (G>C on the coding strand, the complement: APOB is on the minus strand). VCF-style: chr2-21007776-C-G. GRCh37 (hg19) VCF-style: chr2-21230648-C-G.
Other names: short protein forms G3031A.
Identifiers: ClinVar variation 1765750 (VCV001765750.2), dbSNP rs1250379455, ClinGen allele CA345992456.

ClinVar aggregate classification (germline): Uncertain significance (1 of 4 stars; one submission).

Conditions:
Cardiovascular phenotype. Identifiers: MedGen CN230736.

Submission:

Ambry Genetics
Classification: Uncertain significance for Cardiovascular phenotype. Last evaluated: 2021-09-17. Review status: criteria provided, single submitter. Criteria: Ambry Variant Classification Scheme 2023. Collection method: clinical testing. Allele origin: germline.
Comment: The p.G3031A variant (also known as c.9092G>C), located in coding exon 26 of the APOB gene, results from a G to C substitution at nucleotide position 9092. The glycine at codon 3031 is replaced by alanine, an amino acid with similar properties. This amino acid position is conserved. In addition, the in silico prediction for this alteration is inconclusive. Since supporting evidence is limited at this time, the clinical significance of this alteration remains unclear.